The following is an entry in ClinVar:

NM_000053.4(ATP7B):c.670A>T (p.Ile224Phe)

Gene: ATP7B (ATPase copper transporting beta; minus strand). Cytogenetic location: 13q14.3.
Variant type: single nucleotide variant.
Coding change: c.670A>T on transcript NM_000053.4 (MANE Select); coding-DNA position 670, A replaced by T.
Protein change: p.Ile224Phe; replaces isoleucine 224 with phenylalanine.
Molecular consequence: missense variant.
Genome position (GRCh38, 1-based): chr13:51,974,550, T>A on the plus strand (A>T on the coding strand, the complement: ATP7B is on the minus strand). VCF-style: chr13-51974550-T-A. GRCh37 (hg19) VCF-style: chr13-52548686-T-A.
Other names: c.670A>T, p.Ile224Phe (NM_001005918.3, NM_001243182.2, NM_001330578.2 and 1 more transcripts); short protein forms I224F.
Identifiers: ClinVar variation 312398 (VCV000312398.29), dbSNP rs200563529, ClinGen allele CA6989518.

ClinVar aggregate classification (germline): Conflicting classifications of pathogenicity. Review status: criteria provided, conflicting classifications (1 of 4 stars). 10 submissions from 10 submitters: Uncertain significance (7); Likely benign (2). 1 of the submissions does not count toward it. Last evaluated 2026-01-31.

Conditions:
Wilson disease (WND). Also called: Wilson's disease. Identifiers: Orphanet 905, MedGen C0019202, MONDO:0010200, OMIM 277900. Disease mechanism: loss of function.
Inborn genetic diseases. Identifiers: MedGen C0950123, MeSH D030342.

Allele frequency attached by ClinVar (database versions not stated): gnomAD 0.00012 and 0.00014; ESP Exome Variant Server 0.00017; TOPMed 0.00018; ExAC 0.00024; gnomAD exomes 0.00037.
gnomAD v4.1: 272 of 1,614,058 alleles (0.017%); highest among the groups gnomAD compares: Admixed American, 0.0033%; no homozygotes.

Submissions (10):

Labcorp Genetics (formerly Invitae), Labcorp
Classification: Likely benign for Wilson disease. Last evaluated: 2026-01-31. Review status: criteria provided, single submitter. Criteria: Invitae Variant Classification Sherloc (09022015). Collection method: clinical testing. Allele origin: germline.

GeneDx
Classification: Uncertain significance. Last evaluated: 2025-10-20. Review status: criteria provided, single submitter. Criteria: GeneDx Variant Classification Process June 2021. Collection method: clinical testing. Allele origin: germline. Affected: yes.
Comment: In silico analysis suggests that this missense variant does not alter protein structure/function; Has not been previously published as pathogenic or benign to our knowledge

Mayo Clinic Laboratories, Mayo Clinic
Classification: Uncertain significance. Last evaluated: 2025-10-09. Review status: criteria provided, single submitter. Criteria: ACMG Guidelines, 2015. Collection method: clinical testing. Allele origin: germline. Observed: 1 variant allele.
Comment: BS1

Color Diagnostics, LLC DBA Color Health
Classification: Uncertain significance for Wilson disease. Last evaluated: 2024-03-07. Review status: criteria provided, single submitter. Criteria: ACMG Guidelines, 2015. Collection method: clinical testing. Allele origin: germline.
Comment: This missense variant replaces isoleucine with phenylalanine at codon 224 of the ATP7B protein. Computational prediction suggests that this variant may not impact protein structure and function. To our knowledge, functional studies have not been reported for this variant. This variant has not been reported in individuals affected with Wilson disease in the literature. This variant has been identified in 94/280860 chromosomes in the general population by the Genome Aggregation Database (gnomAD). The available evidence is insufficient to determine the role of this variant in disease conclusively. Therefore, this variant is classified as a Variant of Uncertain Significance.

Ambry Genetics
Classification: Likely benign for Inborn genetic diseases. Last evaluated: 2023-04-03. Review status: criteria provided, single submitter. Criteria: Ambry Variant Classification Scheme 2023. Collection method: clinical testing. Allele origin: germline.

Genome-Nilou Lab
Classification: Uncertain significance for Wilson disease. Last evaluated: 2021-09-05. Review status: criteria provided, single submitter. Criteria: ACMG Guidelines, 2015. Collection method: clinical testing. Allele origin: germline. Affected: no.

Women's Health and Genetics/Laboratory Corporation of America, LabCorp
Classification: Uncertain significance. Last evaluated: 2018-09-28. Review status: criteria provided, single submitter. Criteria: LabCorp Variant Classification Summary - May 2015. Collection method: clinical testing. Allele origin: germline.
Comment: Variant summary: ATP7B c.670A>T (p.Ile224Phe) results in a non-conservative amino acid change in the encoded protein sequence. Four of five in-silico tools predict a damaging effect of the variant on protein function. The variant allele was found at a frequency of 0.00032 in 277082 control chromosomes (gnomAD). This frequency is not higher than expected for a pathogenic variant in ATP7B causing Wilson Disease (0.00032 vs 0.0054). The variant is predominantly found in the Ashkenazi Jewish subpopulation of gnomAD at a frequency of 0.0081, which is approximately 1.5 times higher than the maximal expected allele frequency, suggesting the variant may be a benign polymorphism found in Ashkenazi Jewish populations. However, since this is a relatively genetically isolated population, these data allow no conclusion about variant significance. To our knowledge, no occurrence of c.670A>T in individuals affected with Wilson Disease and no experimental evidence demonstrating its impact on protein function have been reported. A ClinVar submission from a clinical diagnostic laboratory (evaluation after 2014) cites the variant as uncertain significance. Based on the evidence outlined above, the variant was classified as uncertain significance.

ARUP Laboratories, Molecular Genetics and Genomics, ARUP Laboratories
Classification: Uncertain significance. Last evaluated: 2018-04-09. Review status: criteria provided, single submitter. Criteria: ARUP Molecular Germline Variant Investigation Process. Collection method: clinical testing. Allele origin: germline.
Comment: The ATP7B c.670A>T; p.Ile224Phe variant (rs200563529), to our knowledge, is not reported in the medical literature but is reported in ClinVar (Variation ID: 312398). This variant is found in the general population with an overall allele frequency of 0.03% (90/277082 alleles) in the Genome Aggregation Database. The isoleucine at codon 224 is weakly conserved, and computational analyses (SIFT, PolyPhen-2) predict that this variant is tolerated. However, given the lack of clinical and functional data, the significance of the p.Ile224Phe variant is uncertain at this time.

Illumina Laboratory Services, Illumina
Classification: Uncertain significance for Wilson disease. Last evaluated: 2018-01-12. Review status: criteria provided, single submitter. Criteria: ICSL Variant Classification Criteria 13 December 2019. Collection method: clinical testing. Allele origin: germline.

Natera, Inc.
Classification: Uncertain significance for Wilson disease. Last evaluated: 2020-04-15. Review status: no assertion criteria provided. Collection method: clinical testing. Allele origin: germline. Not counted in ClinVar's aggregate classification.